The following is an entry in ClinVar:

NM_000492.3:c.54-?_164+?del

Gene: CFTR (CF transmembrane conductance regulator; plus strand).
Variant type: Deletion.
Identifiers: ClinVar variation 818154 (VCV000818154.1).

ClinVar aggregate classification (germline): Pathogenic (1 of 4 stars; one submission).

Conditions:
Cystic fibrosis (CF). Also called: MUCOVISCIDOSIS. Identifiers: Orphanet 586, MedGen C0010674, MONDO:0009061, OMIM 219700. Disease mechanism: loss of function.
CFTR-related disorder (CFTR-RD). Also called: CFTR-related disorders; CFTR-related condition. Identifiers: MedGen C5924204, MONDO:7770004.

Submission:

CFTR-France
Classification: Pathogenic for cystic fibrosis; CFTR-related disorders. Last evaluated: 2018-01-29. Review status: criteria provided, single submitter. Criteria: Claustres M et al. (Hum Mutat 2017). Collection method: curation. Allele origin: germline. Affected: yes.
Comment: the variant causes a phenotype but regarding our data, we can't formally attribute it to CF, CFTR-RD or both